The following is an entry in ClinVar:

ClinVar aggregate classification (germline): Conflicting classifications of pathogenicity. Review status: criteria provided, conflicting classifications (1 of 4 stars). 5 submissions from 5 submitters: Uncertain significance (1); Likely benign (3). 1 of the submissions does not count toward it. Last evaluated 2026-01-19.

Conditions:
Developmental and epileptic encephalopathy, 5 (DEE5). Identifiers: Orphanet 3451, MedGen C3150731, MONDO:0013277, OMIM 613477.
Early-infantile DEE. Also called: Early infantile epileptic encephalopathy; Early infantile epileptic encephalopathy with suppression bursts; Ohtahara syndrome. Identifiers: Orphanet 1934, MedGen C0393706, MONDO:0800491.
Inborn genetic diseases. Identifiers: MedGen C0950123, MeSH D030342.
Self-limited epilepsy with centrotemporal spikes. Also called: Rolandic epilepsy; Childhood epilepsy with centrotemporal spikes. Identifiers: Orphanet 1945, MedGen C0376532, MONDO:0007295.

Allele frequency attached by ClinVar (database versions not stated): ExAC 0.00003; gnomAD exomes 0.00003 and 0.00004; gnomAD 0.00004 and 0.00005; TOPMed 0.00006; 1000 Genomes Project 30x 0.00016; 1000 Genomes Project 0.00020.
gnomAD v4.1: 54 of 1,614,004 alleles (0.0033%); highest among the groups gnomAD compares: Admixed American, 0.005%; no homozygotes.

Submissions (5):

Labcorp Genetics (formerly Invitae), Labcorp
Classification: Likely benign for Early-infantile DEE. Last evaluated: 2026-01-19. Review status: criteria provided, single submitter. Criteria: Invitae Variant Classification Sherloc (09022015). Collection method: clinical testing. Allele origin: germline.

Genome-Nilou Lab
Classification: Likely benign for Developmental and epileptic encephalopathy, 5. Last evaluated: 2021-07-15. Review status: criteria provided, single submitter. Criteria: ACMG Guidelines, 2015. Collection method: clinical testing. Allele origin: germline. Affected: no.

Ambry Genetics
Classification: Likely benign for Inborn genetic diseases. Last evaluated: 2017-05-24. Review status: criteria provided, single submitter. Criteria: Ambry Variant Classification Scheme 2023. Collection method: clinical testing. Allele origin: germline.

Genetic Services Laboratory, University of Chicago
Classification: Uncertain significance. Last evaluated: 2015-11-05. Review status: criteria provided, single submitter. Criteria: ACMG Guidelines, 2015. Collection method: clinical testing. Allele origin: germline. Affected: no.

Bioinformatics Core, Luxembourg Center for Systems Biomedicine
Classification: Pathogenic for Self-limited epilepsy with centrotemporal spikes. Last evaluated: 2017-01-01. Review status: flagged submission. Collection method: case-control. Allele origin: germline. Affected: yes. Study: EUROEPINOMICS COGIE. Not counted in ClinVar's aggregate classification.
Comment: CAADphred>15
ClinVar note: Reason: Claim with insufficient supporting evidence

Literature cited by the submitters: PubMed 29358611 (cited by Bioinformatics Core, Luxembourg Center for Systems Biomedicine).

NM_001130438.3(SPTAN1):c.3673C>T (p.Arg1225Trp)

Gene: SPTAN1 (spectrin alpha, non-erythrocytic 1; plus strand). Cytogenetic location: 9q34.11.
Variant type: single nucleotide variant.
Coding change: c.3673C>T on transcript NM_001130438.3 (MANE Select); coding-DNA position 3673, C replaced by T.
Protein change: p.Arg1225Trp; replaces arginine 1225 with tryptophan.
Molecular consequence: missense variant.
Genome position (GRCh38, 1-based): chr9:128,604,371, C>T. VCF-style: chr9-128604371-C-T. GRCh37 (hg19) VCF-style: chr9-131366650-C-T.
Other names: c.3613C>T, p.Arg1205Trp (NM_001195532.2, NM_001363765.2); c.3673C>T, p.Arg1225Trp (NM_001363759.2, NM_003127.4); short protein forms R1225W, R1205W.
Identifiers: ClinVar variation 433113 (VCV000433113.19), dbSNP rs569997507, ClinGen allele CA5265014.
Genomic context (GRCh38, chr9:128,604,371, plus strand): 5'-TTTGCTGTCCTGCAGGAGCTGAATGAGCGCTGGCGGTCCCTACAGCAGCTGGCCGAGGAA[C>T]GGAGCCAGCTCTTGGGCAGCGCCCATGAAGTACAGAGGTTCCACAGGTGAGGGGTCAGCC-3'
Protein context (NP_001123910.1, residues 1215-1235): WRSLQQLAEE[Arg1225Trp]SQLLGSAHEV